The following is an entry in ClinVar:

ClinVar aggregate classification (germline): Pathogenic/Likely pathogenic. Review status: criteria provided, multiple submitters, no conflicts (2 of 4 stars). 7 submissions from 6 submitters: Pathogenic (5); Likely pathogenic (2). Last evaluated 2024-12-19.

Conditions:
Hereditary breast ovarian cancer syndrome. Also called: Hereditary breast and ovarian cancer syndrome (HBOC); Hereditary breast and ovarian cancer; BRCA1- and BRCA2-Associated Hereditary Breast and Ovarian Cancer; Breast and ovarian cancer; Hereditary breast and ovarian cancer syndrome; Hereditary breast and/or ovarian cancer syndrome. Identifiers: Orphanet 145, MedGen C0677776, MeSH D061325, MONDO:0003582. Disease mechanism: loss of function.
Breast-ovarian cancer, familial, susceptibility to, 1 (BROVCA1). Also called: OVARIAN CANCER, SUSCEPTIBILITY TO; BRCA1 Hereditary Breast and Ovarian Cancer. Identifiers: Orphanet 145, MedGen C2676676, MONDO:0011450, OMIM 604370. Disease mechanism: loss of function.
Hereditary cancer-predisposing syndrome. Also called: Hereditary neoplastic syndrome; Tumor predisposition; Hereditary Cancer Syndrome; Neoplastic Syndromes, Hereditary. Identifiers: Orphanet 140162, MedGen C0027672, MeSH D009386, MONDO:0015356.
Breast-ovarian cancer, familial, susceptibility to, 2 (BROVCA2). Also called: BRCA2 Hereditary Breast and Ovarian Cancer. Identifiers: Orphanet 145, MedGen C2675520, MONDO:0012933, OMIM 612555. Disease mechanism: loss of function.

Submissions (7):

Ambry Genetics
Classification: Pathogenic for Hereditary cancer-predisposing syndrome. Last evaluated: 2024-12-19. Review status: criteria provided, single submitter. Criteria: Ambry Variant Classification Scheme 2023. Collection method: clinical testing. Allele origin: germline.
Comment: The c.3914_3915delTT pathogenic mutation, located in coding exon 10 of the BRCA2 gene, results from a deletion of two nucleotides at nucleotide positions 3914 to 3915, causing a translational frameshift with a predicted alternate stop codon (p.F1305Cfs*2). This variant is considered to be rare based on population cohorts in the Genome Aggregation Database (gnomAD). This alteration is expected to result in loss of function by premature protein truncation or nonsense-mediated mRNA decay. As such, this alteration is interpreted as a disease-causing mutation.

Clinical and Molecular Pathology, Medical Center Transhelix
Classification: Pathogenic for Breast-ovarian cancer, familial, susceptibility to, 1. Last evaluated: 2024-11-25. Review status: criteria provided, single submitter. Criteria: ACMG Guidelines, 2015. Collection method: clinical testing. Allele origin: germline. Affected: yes. Observed: 1 variant allele.
Comment: Variant c.3914_3915 causes the loss of two nucleotides in exon 11 of BRCA2 gene. This sequence alteration creates a frameshift (Phe1305CysfsTer2) and a consequent premature stop codon, leading to a non-functional polypeptide chain. Loss-of-function variants in BRCA genes are a known cancer-causing mechanism (PMID: 27452521) (PVS1). This variant is absent from population databases (PM2) (version 4.1.0.). This variant [IDs: 633101] has been identified as pathogenic three times (PP5). In conclusion, the ACMG/AMP criteria (MET criteria: PVS1, PM2, PP4, PP5) can be used to interpret the BRCA2:c.3914_3915 variant as pathogenic.

All of Us Research Program, National Institutes of Health
Classification: Pathogenic for Breast-ovarian cancer, familial, susceptibility to, 2. Last evaluated: 2023-12-13. Review status: criteria provided, single submitter. Criteria: ACMG Guidelines, 2015. Collection method: clinical testing. Allele origin: germline. Inheritance: Autosomal dominant inheritance. Observed: 1 variant allele, 1 heterozygote.
Comment: This variant deletes 2 nucleotides in exon 11 of the BRCA2 gene, creating a frameshift and premature translation stop signal. This variant is expected to result in an absent or non-functional protein product. To our knowledge, this variant has not been reported in individuals affected with BRCA2-related disorders in the literature. This variant has not been identified in the general population by the Genome Aggregation Database (gnomAD). Loss of BRCA2 function is a known mechanism of disease. Based on the available evidence, this variant is classified as Pathogenic.

This study involves interpretation of variants in research participants for the purpose of population health screening. Participant phenotype was not available at the time of variant classification. Additional details can be found in publication PMID: 35346344, PMCID: PMC8962531

Labcorp Genetics (formerly Invitae), Labcorp
Classification: Pathogenic for Hereditary breast ovarian cancer syndrome. Last evaluated: 2023-08-06. Review status: criteria provided, single submitter. Criteria: Invitae Variant Classification Sherloc (09022015). Collection method: clinical testing. Allele origin: germline.
Comment: For these reasons, this variant has been classified as Pathogenic. ClinVar contains an entry for this variant (Variation ID: 633101). This variant has not been reported in the literature in individuals affected with BRCA2-related conditions. This variant is not present in population databases (gnomAD no frequency). This sequence change creates a premature translational stop signal (p.Phe1305Cysfs*2) in the BRCA2 gene. It is expected to result in an absent or disrupted protein product. Loss-of-function variants in BRCA2 are known to be pathogenic (PMID: 20104584).

Sema4
Classification: Likely pathogenic for Hereditary cancer-predisposing syndrome. Last evaluated: 2021-11-15. Review status: criteria provided, single submitter. Criteria: Sema4 Curation Guidelines. Collection method: curation. Allele origin: germline.
Comment: The BRCA2, c.3914_3915delTT (p.F1305CfsX2) variant has not been reported in the literature to our knowledge. This variant causes a frameshift at amino acid 1305 that results in premature termination 2 amino acids downstream. At this location, this is predicted to cause nonsense-mediated decay and result in an absent protein (loss of function). Loss of function variants in BRCA2 are known to be pathogenic (PMID: 29446198). This variant is not reported in the Genome Aggregation Database (PMID: 32461654). This variant has been reported in ClinVar (Variation ID: 633101). Based on the current evidence available, this variant is interpreted as likely pathogenic.

Women's Health and Genetics/Laboratory Corporation of America, LabCorp
Classification: Likely pathogenic for Hereditary breast and ovarian cancer syndrome. Last evaluated: 2019-12-06. Review status: criteria provided, single submitter. Criteria: LabCorp Variant Classification Summary - May 2015. Collection method: clinical testing. Allele origin: germline.
Comment: Variant summary: BRCA2 c.3914_3915delTT (p.Phe1305CysfsX2) results in a premature termination codon, predicted to cause a truncation of the encoded protein or absence of the protein due to nonsense mediated decay, which are commonly known mechanisms for disease. Truncations downstream of this position have been classified as pathogenic by our laboratory. The variant was absent in 208654 control chromosomes (gnomAD). To our knowledge, no occurrence of c.3914_3915delTT in individuals affected with Hereditary Breast and Ovarian Cancer and no experimental evidence demonstrating its impact on protein function have been reported. No clinical diagnostic laboratories have submitted clinical-significance assessments for this variant to ClinVar after 2014. Based on the evidence outlined above, the variant was classified as likely pathogenic.

Clinical and Molecular Pathology, Medical Center Transhelix
Classification: Pathogenic for Breast-ovarian cancer, familial, susceptibility to, 2. Review status: criteria provided, single submitter. Criteria: ACMG Guidelines, 2015. Collection method: clinical testing. Allele origin: germline. Inheritance: Autosomal dominant inheritance. Affected: yes. Observed: 1 heterozygote.
Comment: the same text as in the submission from Clinical and Molecular Pathology, Medical Center Transhelix above.

Literature cited by the submitters: PubMed 24156927 (cited by Clinical and Molecular Pathology, Medical Center Transhelix); PubMed 20104584 (cited by Labcorp Genetics (formerly Invitae), Labcorp); PubMed 29446198 (cited by Sema4).

NM_000059.4(BRCA2):c.3914_3915del (p.Phe1305fs)

Gene: BRCA2 (BRCA2 DNA repair associated; plus strand). Cytogenetic location: 13q13.1.
Variant type: Deletion.
Coding change: c.3914_3915del on transcript NM_000059.4 (MANE Select); coding-DNA positions 3914 to 3915, 2 bases deleted (TT; older notation c.3914_3915delTT).
Protein change: p.Phe1305fs; shifts the reading frame from phenylalanine 1305.
Molecular consequence: frameshift variant.
Genome position (GRCh38, 1-based): chr13:32,338,269-32,338,270, TT deleted; deleting any 2 consecutive bases within chr13:32,338,267-32,338,270 gives the same sequence; the c. name uses the placement nearest the transcript's 3' end. VCF-style (leftmost placement, unchanged base first): chr13-32338266-CTT-C. GRCh37 (hg19) VCF-style: chr13-32912403-CTT-C.
Other names: NP_000050.3:p.Phe1305fs; c.3914_3915delTT (NM_000059.3); short protein forms F1305fs.
Identifiers: ClinVar variation 633101 (VCV000633101.18), dbSNP rs397507698, ClinGen allele CA913190942.
Genomic context (GRCh38, chr13:32,338,266, plus strand): 5'-GTGAAAAAAATAATAAATGCCAACTGATATTACAAAATAATATTGAAATGACTACTGGCA[CTT>C]TTGTTGAAGAAATTACTGAAAATTACAAGAGAAATACTGAAAATGAAGATAACAAATATA-3'